The following is an entry in ClinVar:

NM_005670.4(EPM2A):c.259A>T (p.Lys87Ter)

Genes: EPM2A (EPM2A glucan phosphatase, laforin; minus strand), EPM2A-DT (EPM2A divergent transcript; plus strand), LOC129997381 (ATAC-STARR-seq lymphoblastoid silent region 17642; plus strand). Cytogenetic location: 6q24.3.
Variant type: single nucleotide variant.
Coding change: c.259A>T on transcript NM_005670.4 (MANE Select); coding-DNA position 259, A replaced by T.
Protein change: p.Lys87Ter; replaces lysine 87 with a stop codon.
Molecular consequence: nonsense. On other transcripts: 5 prime UTR variant (2), intron variant (2).
Genome position (GRCh38, 1-based): chr6:145,735,240, T>A on the plus strand (A>T on the coding strand, the complement: EPM2A is on the minus strand). VCF-style: chr6-145735240-T-A. GRCh37 (hg19) VCF-style: chr6-146056376-T-A.
Other names: NR_153398.2:n.116+668A>T; c.259A>T, p.Lys87Ter (NM_001018041.2, NM_001360057.2, NM_001368130.1); c.-411A>T (NM_001360071.2); c.-365A>T (NM_001368129.2); c.-114+668A>T (NM_001360064.2); c.-114+5A>T (NM_001368131.1); short protein forms K87*.
Identifiers: ClinVar variation 3776900 (VCV003776900.1).
Genomic context (GRCh38, chr6:145,735,240, plus strand): 5'-GGCGTCTGCTGGCAATACCTTCCCAGGAGAGCTCTCCTCCCGGCTCCCGCTTCAGGAACT[T>A]GTACCAGAACGTGTCCACGCGGCCCGGCTCCGCCCCGTCCTGCGCCGCCTCCTCGGCCGC-3'

ClinVar aggregate classification (germline): Pathogenic (1 of 4 stars; one submission).

Conditions:
Lafora disease. Also called: Epilepsy progressive myoclonic 2. Identifiers: Orphanet 501, MedGen C0751783, MONDO:0009697.

gnomAD v4.1: 2 of 1,539,850 alleles (0.00013%); highest among the groups gnomAD compares: South Asian, 0.0024%; no homozygotes.

Submission:

Broad Center for Mendelian Genomics, Broad Institute of MIT and Harvard
Classification: Pathogenic for Lafora disease. Last evaluated: 2025-01-07. Review status: criteria provided, single submitter. Criteria: ACMG Guidelines, 2015. Collection method: curation. Allele origin: germline. Inheritance: Autosomal recessive inheritance.
Comment: The p.Lys87Ter variant in EPM2A has been reported, in the homozygous state, in 1 individual with Lafora disease (PMID: 20738377), and has been identified in 0.002% (2/78312) of South Asian chromosomes by the Genome Aggregation Database (gnomAD). Although this variant has been seen in the general population in a heterozygous state, its frequency is low enough to be consistent with a recessive carrier frequency. This nonsense variant leads to a premature termination codon at position 87, which is predicted to lead to a truncated or absent protein. Loss of function of the EPM2A gene is an established disease mechanism in autosomal recessive Lafora disease. The phenotype of the individual homozygous for this variant is highly specific for Lafora disease based on biopsies showing Lafora bodies consistent with disease (PMID: 20738377). In summary, this variant meets criteria to be classified as pathogenic for autosomal recessive Lafora disease. ACMG/AMP Criteria applied: PVS1, PP4, PM2_supporting, PM3_supporting (Richards 2015).